The following is an entry in ClinVar:

NC_000013.10:g.(100764316_100807232)_(100861718_100888095)del

Gene: PCCA (propionyl-CoA carboxylase subunit alpha; plus strand). Cytogenetic location: 13q32.3.
Variant type: Deletion.
Identifiers: ClinVar variation 1677119 (VCV001677119.1).

ClinVar aggregate classification (germline): Likely pathogenic (1 of 4 stars; one submission).

Conditions:
Propionic acidemia (PROP). Also called: GLYCINEMIA, KETOTIC; HYPERGLYCINEMIA WITH KETOACIDOSIS AND LEUKOPENIA; KETOTIC HYPERGLYCINEMIA. Identifiers: Orphanet 35, MedGen C0268579, MONDO:0011628, OMIM 606054, HP:0003571.

Submission:

Women's Health and Genetics/Laboratory Corporation of America, LabCorp
Classification: Likely pathogenic for Propionic acidemia. Last evaluated: 2022-03-16. Review status: criteria provided, single submitter. Criteria: LabCorp Variant Classification Summary - May 2015. Collection method: clinical testing. Allele origin: germline.
Comment: Variant summary: The variant identified by MLPA or other technology involves the deletion of exons 5-7 in the PCCA gene. A presumed nomenclature of c.(300+1_301-1)_(600+1_601-1)del has been designated for the purposes of this classification. Although exact breakpoints of this deletion are not known, it is expected to result in a large in-frame deletion change in the PCCA gene, a known mechanism of disease. The variant was absent in 21694 control chromosomes. To our knowledge, no occurrence of c.(300+1_301-1)_(600+1_601-1)del in individuals affected with Propionic Acidemia and no experimental evidence demonstrating its impact on protein function have been reported. No clinical diagnostic laboratories have submitted clinical-significance assessments for this variant to ClinVar after 2014. Based on the evidence outlined above, the variant was classified as likely pathogenic.